The following is an entry in ClinVar:

NM_004333.6(BRAF):c.981-967A>G

Gene: BRAF (B-Raf proto-oncogene, serine/threonine kinase; minus strand). Cytogenetic location: 7q34.
Variant type: single nucleotide variant.
Coding change: c.981-967A>G on transcript NM_004333.6 (MANE Select); 967 bases into the intron before coding-DNA position 981, A replaced by G.
Molecular consequence: intron variant.
Genome position (GRCh38, 1-based): chr7:140,795,434, T>C on the plus strand (A>G on the coding strand, the complement: BRAF is on the minus strand). VCF-style: chr7-140795434-T-C. GRCh37 (hg19) VCF-style: chr7-140495234-T-C.
Other names: c.981-967A>G (NM_001378474.1, NM_001378471.1, NM_001378468.1 and 4 more transcripts); c.879-967A>G (NM_001378470.1); c.717-967A>G (NM_001378475.1); c.990-967A>G (NM_001378467.1); c.825-967A>G (NM_001378472.1, NM_001378473.1).
Identifiers: ClinVar variation 2658073 (VCV002658073.24), dbSNP rs140822151, ClinGen allele CA168101561.

ClinVar aggregate classification (germline): Benign (1 of 4 stars; one submission).

Allele frequency attached by ClinVar (database versions not stated): 1000 Genomes Project 30x 0.00094; 1000 Genomes Project 0.00120; gnomAD 0.00147; TOPMed 0.00182.
gnomAD v4.1: 226 of 152,312 alleles (0.15%); highest among the groups gnomAD compares: African/African-American, 0.5%; 2 homozygotes.

Submission:

CeGaT Center for Human Genetics Tuebingen
Classification: Benign. Last evaluated: 2022-09-01. Review status: criteria provided, single submitter. Criteria: CeGaT Center For Human Genetics Tuebingen Variant Classification Criteria Version 2. Collection method: clinical testing. Allele origin: germline. Affected: yes. Observed: 2 variant alleles.
Comment: BRAF: BS1, BS2